The following is an entry in ClinVar:

ClinVar aggregate classification (germline): Uncertain significance. Review status: criteria provided, multiple submitters, no conflicts (2 of 4 stars). 2 submissions from 2 submitters: Uncertain significance (2). Last evaluated 2026-06-29.

Conditions:
ZFYVE19-related disorder. Also called: ZFYVE19-related condition.

Allele frequency attached by ClinVar (database versions not stated): 1000 Genomes Project 30x 0.00016; 1000 Genomes Project 0.00020; TOPMed 0.00020; ExAC 0.00034; ESP Exome Variant Server 0.00048.

Submissions (2):

PreventionGenetics, part of Exact Sciences
Classification: Uncertain significance for ZFYVE19-related condition. Last evaluated: 2026-06-29. Review status: criteria provided, single submitter. Criteria: ACMG Guidelines, 2015. Collection method: clinical testing. Allele origin: germline.
Comment: The ZFYVE19 c.604C>T variant is predicted to result in the amino acid substitution p.Arg202Trp. To our knowledge, this variant has not been reported in the literature. This variant is reported in 0.092% of alleles in individuals of South Asian descent in gnomAD, which may be too frequent to be a primary cause of disease. Although we suspect that this variant may be benign, at this time, the clinical significance of this variant is uncertain due to the absence of conclusive functional and genetic evidence.

Ambry Genetics
Classification: Uncertain significance. Last evaluated: 2024-03-04. Review status: criteria provided, single submitter. Criteria: Ambry Variant Classification Scheme 2023. Collection method: clinical testing. Allele origin: germline.

NM_001077268.2(ZFYVE19):c.604C>T (p.Arg202Trp)

Gene: ZFYVE19 (zinc finger FYVE-type containing 19; plus strand). Cytogenetic location: 15q15.1.
Variant type: single nucleotide variant.
Coding change: c.604C>T on transcript NM_001077268.2 (MANE Select); coding-DNA position 604, C replaced by T.
Protein change: p.Arg202Trp; replaces arginine 202 with tryptophan.
Molecular consequence: missense variant.
Genome position (GRCh38, 1-based): chr15:40,810,103, C>T. VCF-style: chr15-40810103-C-T. GRCh37 (hg19) VCF-style: chr15-41102301-C-T.
Other names: c.574C>T, p.Arg192Trp (NM_032850.5); c.604C>T, p.Arg202Trp (NM_001258420.2); c.79C>T, p.Arg27Trp (NM_001258421.2); short protein forms R202W, R27W, R192W.
Identifiers: ClinVar variation 3193392 (VCV003193392.2), dbSNP rs200940591, ClinGen allele CA7485684.
Genomic context (GRCh38, chr15:40,810,103, plus strand): 5'-TACAAGGCTCCCCCCATGCCAATTGCAGAGTTAGTCCCCTCACAGGCAGAGATAGAGGCA[C>T]GGCTGGCTGCCCTAAAGGATGAACGTCAGGGTTCCATCCCTTCCACCCAGGAAATGGAGG-3'
Protein context (NP_001070736.1, residues 192-212): LVPSQAEIEA[Arg202Trp]LAALKDERQG